The following is an entry in ClinVar:

NM_000059.4(BRCA2):c.4519del (p.Gln1507fs)

Gene: BRCA2 (BRCA2 DNA repair associated; plus strand). Cytogenetic location: 13q13.1.
Variant type: Deletion.
Coding change: c.4519del on transcript NM_000059.4 (MANE Select); coding-DNA position 4519, one base deleted (C; older notation c.4519delC).
Protein change: p.Gln1507fs; shifts the reading frame from glutamine 1507.
Molecular consequence: frameshift variant.
Genome position (GRCh38, 1-based): chr13:32,338,874, C deleted; the last of 2 consecutive C bases (chr13:32,338,873-32,338,874); deleting either gives the same sequence. VCF-style (leftmost placement, unchanged base first): chr13-32338872-TC-T. GRCh37 (hg19) VCF-style: chr13-32913009-TC-T.
Other names: 4747delC; c.4519delC (NM_000059.3).
Identifiers: ClinVar variation 96808 (VCV000096808.12), dbSNP rs431825321, ClinGen allele CA020300.
Genomic context (GRCh38, chr13:32,338,872, plus strand): 5'-TTAAACACAAAATACTGAAAGAAAGTGTCCCAGTTGGTACTGGAAATCAACTAGTGACCT[TC>T]CAGGGACAACCCGAACGTGATGAAAAGATCAAAGAACCTACTCTATTGGGTTTTCATACA-3'

ClinVar aggregate classification (germline): Pathogenic. Review status: reviewed by expert panel (3 of 4 stars). 5 submissions from 5 submitters: Pathogenic (1). 4 of the submissions do not count toward it. Last evaluated 2016-09-08.

Conditions:
Hereditary cancer-predisposing syndrome. Also called: Hereditary Cancer Syndrome; Neoplastic Syndromes, Hereditary; Hereditary neoplastic syndrome; Tumor predisposition. Identifiers: Orphanet 140162, MedGen C0027672, MeSH D009386, MONDO:0015356.
Hereditary breast ovarian cancer syndrome. Also called: Breast and ovarian cancer; Hereditary breast and/or ovarian cancer syndrome; Hereditary breast and ovarian cancer; Hereditary breast and ovarian cancer syndrome; Hereditary breast and ovarian cancer syndrome (HBOC); BRCA1- and BRCA2-Associated Hereditary Breast and Ovarian Cancer. Identifiers: Orphanet 145, MedGen C0677776, MeSH D061325, MONDO:0003582. Disease mechanism: loss of function.
Breast-ovarian cancer, familial, susceptibility to, 2 (BROVCA2). Also called: BRCA2 Hereditary Breast and Ovarian Cancer. Identifiers: Orphanet 145, MedGen C2675520, MONDO:0012933, OMIM 612555. Disease mechanism: loss of function.

Submissions (5):

Evidence-based Network for the Interpretation of Germline Mutant Alleles (ENIGMA)
Classification: Pathogenic for Breast-ovarian cancer, familial, susceptibility to, 2. Last evaluated: 2016-09-08. Review status: reviewed by expert panel. Criteria: ENIGMA BRCA1/2 Classification Criteria (2015). Collection method: curation. Allele origin: germline.
Comment: Variant allele predicted to encode a truncated non-functional protein.

Ambry Genetics
Classification: Pathogenic for Hereditary cancer-predisposing syndrome. Last evaluated: 2024-03-05. Review status: criteria provided, single submitter. Criteria: Ambry Variant Classification Scheme 2023. Collection method: clinical testing. Allele origin: germline. Not counted in ClinVar's aggregate classification.
Comment: The c.4519delC pathogenic mutation, located in coding exon 10 of the BRCA2 gene, results from a deletion of one nucleotide at nucleotide position 4519, causing a translational frameshift with a predicted alternate stop codon (p.Q1507Rfs*36). This alteration has been reported in individuals with breast cancer (Borde J et al. BMC Cancer, 2022 Jun;22:706; Boga I et al. Eur J Breast Health, 2023 Jul;19:235-252). This variant is considered to be rare based on population cohorts in the Genome Aggregation Database (gnomAD). In addition to the clinical data presented in the literature, this alteration is expected to result in loss of function by premature protein truncation or nonsense-mediated mRNA decay. As such, this alteration is interpreted as a disease-causing mutation.

Labcorp Genetics (formerly Invitae), Labcorp
Classification: Pathogenic for Hereditary breast ovarian cancer syndrome. Last evaluated: 2021-11-19. Review status: criteria provided, single submitter. Criteria: Invitae Variant Classification Sherloc (09022015). Collection method: clinical testing. Allele origin: germline. Not counted in ClinVar's aggregate classification.
Comment: For these reasons, this variant has been classified as Pathogenic. ClinVar contains an entry for this variant (Variation ID: 96808). This variant has not been reported in the literature in individuals affected with BRCA2-related conditions. This variant is not present in population databases (gnomAD no frequency). This sequence change creates a premature translational stop signal (p.Gln1507Argfs*36) in the BRCA2 gene. It is expected to result in an absent or disrupted protein product. Loss-of-function variants in BRCA2 are known to be pathogenic (PMID: 20104584).

Consortium of Investigators of Modifiers of BRCA1/2 (CIMBA), c/o University of Cambridge
Classification: Pathogenic for Breast-ovarian cancer, familial, susceptibility to, 2. Last evaluated: 2015-10-02. Review status: criteria provided, single submitter. Criteria: CIMBA Mutation Classification guidelines May 2016. Collection method: clinical testing. Allele origin: germline. Not counted in ClinVar's aggregate classification.

Sharing Clinical Reports Project (SCRP)
Classification: Pathogenic for Breast-ovarian cancer, familial 2. Last evaluated: 2012-05-01. Review status: no assertion criteria provided. Collection method: clinical testing. Allele origin: germline. Not counted in ClinVar's aggregate classification.

Literature cited by the submitters: PubMed 35761208 (cited by Ambry Genetics); PubMed 37415649 (cited by Ambry Genetics); PubMed 20104584 (cited by Labcorp Genetics (formerly Invitae), Labcorp).